The following is an entry in ClinVar:

NM_000197.2(HSD17B3):c.277G>A (p.Glu93Lys)

Genes: HSD17B3 (hydroxysteroid 17-beta dehydrogenase 3; minus strand), SLC35D2-HSD17B3 (SLC35D2-HSD17B3 readthrough; minus strand). Cytogenetic location: 9q22.32.
Variant type: single nucleotide variant.
Coding change: c.277G>A on transcript NM_000197.2 (MANE Select); coding-DNA position 277, G replaced by A.
Protein change: p.Glu93Lys; replaces glutamic acid 93 with lysine.
Molecular consequence: missense variant. On other transcripts: non-coding transcript variant (1).
Genome position (GRCh38, 1-based): chr9:96,254,868, C>T on the plus strand (G>A on the coding strand, the complement: HSD17B3 is on the minus strand). VCF-style: chr9-96254868-C-T. GRCh37 (hg19) VCF-style: chr9-99017150-C-T.
Other names: short protein forms E93K.
Identifiers: ClinVar variation 2577238 (VCV002577238.7), dbSNP rs753360928, ClinGen allele CA5140482.

ClinVar aggregate classification (germline): Pathogenic. Review status: criteria provided, multiple submitters, no conflicts (2 of 4 stars). 3 submissions from 3 submitters: Pathogenic (3). Last evaluated 2023-09-12.

Conditions:
Testosterone 17-beta-dehydrogenase deficiency. Also called: 17-beta hydroxysteroid dehydrogenase 3 deficiency; 17 alpha ketosteroid reductase deficiency of testis; 17 alpha KSR deficiency; Neutral 17 beta hydroxysteroid oxidoreductase deficiency; Male pseudoherma-phroditism with gynecomastia; 46,XY disorder of sex development due to 17-beta-hydroxysteroid dehydrogenase 3 deficiency. Identifiers: Orphanet 752, MedGen C0268296, MONDO:0009916, OMIM 264300. Disease mechanism: loss of function.

Allele frequency attached by ClinVar (database versions not stated): TOPMed below 0.00001; ExAC 0.00001; gnomAD exomes 0.00001.
gnomAD v4.1: 9 of 1,613,470 alleles (0.00056%); highest among the groups gnomAD compares: East Asian, 0.0022%; no homozygotes.

Submissions (3):

Labcorp Genetics (formerly Invitae), Labcorp
Classification: Pathogenic. Last evaluated: 2023-09-12. Review status: criteria provided, single submitter. Criteria: Invitae Variant Classification Sherloc (09022015). Collection method: clinical testing. Allele origin: germline.
Comment: For these reasons, this variant has been classified as Pathogenic. Variants that disrupt the consensus splice site are a relatively common cause of aberrant splicing (PMID: 17576681, 9536098). Studies have shown that this missense change is associated with altered splicing resulting in multiple RNA products (PMID: 36154887). Experimental studies have shown that this missense change does not substantially affect HSD17B3 function (PMID: 36154887). An algorithm developed to predict the effect of missense changes on protein structure and function (PolyPhen-2) suggests that this variant is likely to be tolerated. ClinVar contains an entry for this variant (Variation ID: 2577238). This missense change has been observed in individual(s) with clinical features of 17-beta hydroxysteroid dehydrogenase 3 deficiency (PMID: 27898418, 29397602, 36154887). In at least one individual the data is consistent with being in trans (on the opposite chromosome) from a pathogenic variant. This variant is present in population databases (rs753360928, gnomAD 0.003%). This sequence change replaces glutamic acid, which is acidic and polar, with lysine, which is basic and polar, at codon 93 of the HSD17B3 protein (p.Glu93Lys). This variant also falls at the last nucleotide of exon 3, which is part of the consensus splice site for this exon.

Women's Health and Genetics/Laboratory Corporation of America, LabCorp
Classification: Pathogenic for Testosterone 17-beta-dehydrogenase deficiency. Last evaluated: 2023-07-17. Review status: criteria provided, single submitter. Criteria: LabCorp Variant Classification Summary - May 2015. Collection method: clinical testing. Allele origin: germline.
Comment: Variant summary: HSD17B3 c.277G>A (p.Glu93Lys) results in a conservative amino acid change in the encoded protein sequence. Three of five in-silico tools predict a damaging effect of the variant on protein function. Several computational tools predict a significant impact on normal splicing: Four predict the variant weakens a canonical 5' splicing donor site. At least one publication reports experimental evidence that this variant affects mRNA splicing in vitro, as well as finding aberrant transcripts in a patient homozygous with the variant (Zhu_2023). The variant allele was found at a frequency of 4e-06 in 251000 control chromosomes (gnomAD). c.277G>A has been reported in the literature in multiple individuals affected with Testosterone 17-beta-dehydrogenase deficiency (Ozen_2017, Zhu_2023, Ata_2021, Yu_2018), and some were reported as compound heterozygous with another pathogenic variant. These data indicate that the variant is very likely to be associated with disease. At least one publication reports experimental evidence evaluating an impact on protein function of the missense change, finding no effect on conversion of androstenedione to testosterone, suggesting the variant exerts its effect as an exonic splicing variant rather than a missense variant (Zhu_2023). The following publications have been ascertained in the context of this evaluation (PMID: 27898418, 36154887, 33516834, 29397602). No submitters have cited clinical-significance assessments for this variant to ClinVar after 2014. Based on the evidence outlined above, the variant was classified as pathogenic.

Juno Genomics, Hangzhou Juno Genomics, Inc
Classification: Pathogenic for Testosterone 17-beta-dehydrogenase deficiency. Review status: criteria provided, single submitter. Criteria: ACMG Guidelines, 2015. Collection method: clinical testing. Allele origin: germline.
Comment: Absent from controls (or at extremely low frequency if recessive) in Genome Aggregation Database.;Null variant in a gene where loss of function (LOF) is a known mechanism of disease.;For recessive disorders, detected in trans with a pathogenic variant.;Patient's phenotype or family history is highly specific for a disease with a single genetic etiology.

Literature cited by the submitters: PubMed 17576681 (cited by Labcorp Genetics (formerly Invitae), Labcorp); PubMed 9536098 (cited by Labcorp Genetics (formerly Invitae), Labcorp); PubMed 36154887 (cited by Labcorp Genetics (formerly Invitae), Labcorp and Women's Health and Genetics/Laboratory Corporation of America, LabCorp); PubMed 27898418 (cited by Labcorp Genetics (formerly Invitae), Labcorp and Women's Health and Genetics/Laboratory Corporation of America, LabCorp); PubMed 29397602 (cited by Labcorp Genetics (formerly Invitae), Labcorp and Women's Health and Genetics/Laboratory Corporation of America, LabCorp); PubMed 33516834 (cited by Women's Health and Genetics/Laboratory Corporation of America, LabCorp).